The following is an entry in ClinVar:

NM_006914.4(RORB):c.3G>A (p.Met1Ile)

Genes: RORB (RAR related orphan receptor B; plus strand), RORB-AS1 (RORB antisense RNA 1; minus strand). Cytogenetic location: 9q21.13.
Variant type: single nucleotide variant.
Coding change: c.3G>A on transcript NM_006914.4 (MANE Select); coding-DNA position 3, G replaced by A.
Protein change: p.Met1Ile; changes the start codon (methionine 1).
Molecular consequence: missense variant, initiator codon variant.
Genome position (GRCh38, 1-based): chr9:74,497,979, G>A. VCF-style: chr9-74497979-G-A. GRCh37 (hg19) VCF-style: chr9-77112895-G-A.
Other names: short protein forms M1I.
Identifiers: ClinVar variation 3790175 (VCV003790175.2).

ClinVar aggregate classification (germline): Pathogenic/Likely pathogenic. Review status: criteria provided, multiple submitters, no conflicts (2 of 4 stars). 2 submissions from 2 submitters: Pathogenic (1); Likely pathogenic (1). Last evaluated 2025-05-26.

Conditions:
Inborn genetic diseases. Identifiers: MedGen C0950123, MeSH D030342.

Submissions (2):

Labcorp Genetics (formerly Invitae), Labcorp
Classification: Pathogenic. Last evaluated: 2025-05-26. Review status: criteria provided, single submitter. Criteria: Invitae Variant Classification Sherloc (09022015). Collection method: clinical testing. Allele origin: germline.
Comment: This sequence change affects the initiator codon of the RORB mRNA. This change may impact translation initiation or efficiency. The next in-frame methionine is located at codon 75. This variant is not present in population databases (gnomAD no frequency). This variant has not been reported in the literature in individuals affected with RORB-related conditions. ClinVar contains an entry for this variant (Variation ID: 3790175). This variant disrupts a region of the RORB protein in which other variant(s) (p.Arg36Lys) have been determined to be pathogenic (internal data). This suggests that this is a clinically significant region of the protein, and that variants that disrupt it are likely to be disease-causing. For these reasons, this variant has been classified as Pathogenic.

Ambry Genetics
Classification: Likely pathogenic for Inborn genetic diseases. Last evaluated: 2025-03-07. Review status: criteria provided, single submitter. Criteria: Ambry Variant Classification Scheme 2023. Collection method: clinical testing. Allele origin: germline.
Comment: The c.3G>A (p.M1?) alteration is located in coding exon 1 of the RORB gene and consists of a G to A substitution at nucleotide position 1. This alters the methionine residue at the initiation codon (ATG). Sequence variations that modify the initiation codon are expected to result in either loss of translation initiation, N-terminal truncation, or cause a shift in the mRNA reading frame. This variant was not reported in population-based cohorts in the Genome Aggregation Database (gnomAD). Based on the available evidence, this alteration is classified as likely pathogenic.